The following is an entry in ClinVar:

NM_006514.4(SCN10A):c.5698A>G (p.Asn1900Asp)

Gene: SCN10A (sodium voltage-gated channel alpha subunit 10; minus strand). Cytogenetic location: 3p22.2.
Variant type: single nucleotide variant.
Coding change: c.5698A>G on transcript NM_006514.4 (MANE Select); coding-DNA position 5698, A replaced by G.
Protein change: p.Asn1900Asp; replaces asparagine 1900 with aspartic acid.
Molecular consequence: missense variant.
Genome position (GRCh38, 1-based): chr3:38,697,522, T>C on the plus strand (A>G on the coding strand, the complement: SCN10A is on the minus strand). VCF-style: chr3-38697522-T-C. GRCh37 (hg19) VCF-style: chr3-38739013-T-C.
Other names: c.5695A>G, p.Asn1899Asp (NM_001293306.2); c.5404A>G, p.Asn1802Asp (NM_001293307.2); short protein forms N1900D, N1802D, N1899D.
Identifiers: ClinVar variation 532078 (VCV000532078.2), dbSNP rs1265687114, ClinGen allele CA352152539.
Genomic context (GRCh38, chr3:38,697,522, plus strand): 5'-ACGGTGGGAATGATGTGGCAGAAGCAGTTTCAGATTTGTCTGGGAGTACACAATTTTCAT[T>C]TGCTGTGAATGCAACAAAACCTTCATCTGGGAGTGATGCAGCCTCCTCCTCAGCTCTGGG-3'
Protein context (NP_006505.4, residues 1890-1910): PDEGFVAFTA[Asn1900Asp]ENCVLPDKSE

ClinVar aggregate classification (germline): Uncertain significance (1 of 4 stars; one submission).

Conditions:
Brugada syndrome. Also called: Sudden unexpected nocturnal death syndrome; Sudden unexplained nocturnal death syndrome; Sudden Unexplained Death Syndrome; Sudden Unexplained Nocturnal Death Syndrome (SUNDS). Identifiers: Orphanet 130, MedGen C1142166, MONDO:0015263.

Allele frequency attached by ClinVar (database versions not stated): gnomAD exomes below 0.00001.
gnomAD v4.1: 1 of 1,614,156 alleles (0.000062%); highest among the groups gnomAD compares: Middle Eastern, 0.016%; no homozygotes.

Submission:

Labcorp Genetics (formerly Invitae), Labcorp
Classification: Uncertain significance for Brugada syndrome. Last evaluated: 2018-11-15. Review status: criteria provided, single submitter. Criteria: Invitae Variant Classification Sherloc (09022015). Collection method: clinical testing. Allele origin: germline.
Comment: This sequence change replaces asparagine with aspartic acid at codon 1900 of the SCN10A protein (p.Asn1900Asp). The asparagine residue is weakly conserved and there is a small physicochemical difference between asparagine and aspartic acid. This variant is not present in population databases (ExAC no frequency). This variant has not been reported in the literature in individuals with SCN10A-related disease. Algorithms developed to predict the effect of missense changes on protein structure and function output the following: SIFT: "Tolerated"; PolyPhen-2: "Benign"; Align-GVGD: "Class C0". The aspartic acid amino acid residue is found in multiple mammalian species, suggesting that this missense change does not adversely affect protein function. These predictions have not been confirmed by published functional studies and their clinical significance is uncertain. Algorithms developed to predict the effect of sequence changes on RNA splicing suggest that this variant may create or strengthen a splice site, but this prediction has not been confirmed by published transcriptional studies. In summary, the available evidence is currently insufficient to determine the role of this variant in disease. Therefore, it has been classified as a Variant of Uncertain Significance.